The following is an entry in ClinVar:

NM_001286445.3(RIPOR2):c.289G>A (p.Glu97Lys)

Gene: RIPOR2 (RHO family interacting cell polarization regulator 2; minus strand). Cytogenetic location: 6p22.3.
Variant type: single nucleotide variant.
Coding change: c.289G>A on transcript NM_001286445.3 (MANE Select); coding-DNA position 289, G replaced by A.
Protein change: p.Glu97Lys; replaces glutamic acid 97 with lysine.
Molecular consequence: missense variant.
Genome position (GRCh38, 1-based): chr6:24,873,699, C>T on the plus strand (G>A on the coding strand, the complement: RIPOR2 is on the minus strand). VCF-style: chr6-24873699-C-T. GRCh37 (hg19) VCF-style: chr6-24873927-C-T.
Other names: c.202G>A, p.Glu68Lys (NM_001286447.2, NM_001346031.2, NM_001346032.2 and 2 more transcripts); c.304G>A, p.Glu102Lys (NM_001286446.3); short protein forms E68K, E102K, E97K.
Identifiers: ClinVar variation 3154622 (VCV003154622.3), dbSNP rs763723982, ClinGen allele CA3659597.
Genomic context (GRCh38, chr6:24,873,699, plus strand): 5'-CTTACTCAAGTCCATTTTTCAAGGCCCTGTAGACTTCTTCCACCCTTTTAGGCTGAGGCT[C>T]TTTGGGGGGATTGTTGTTTTTGTGGCCTAAATTGTGCATTTTCTTCAGTTTGGCCTGAGG-3'
Protein context (NP_001273374.1, residues 87-107): LGHKNNNPPK[Glu97Lys]PQPKRVEEVY

ClinVar aggregate classification (germline): Uncertain significance. Review status: criteria provided, multiple submitters, no conflicts (2 of 4 stars). 2 submissions from 2 submitters: Uncertain significance (2). Last evaluated 2024-11-19.

Allele frequency attached by ClinVar (database versions not stated): ExAC 0.00001.
gnomAD v4.1: 59 of 1,613,586 alleles (0.0037%); highest among the groups gnomAD compares: East Asian, 0.02%; no homozygotes.

Submissions (2):

Labcorp Genetics (formerly Invitae), Labcorp
Classification: Uncertain significance. Last evaluated: 2024-11-19. Review status: criteria provided, single submitter. Criteria: Invitae Variant Classification Sherloc (09022015). Collection method: clinical testing. Allele origin: germline.
Comment: This sequence change replaces glutamic acid, which is acidic and polar, with lysine, which is basic and polar, at codon 68 of the FAM65B protein (p.Glu68Lys). This variant is present in population databases (rs763723982, gnomAD 0.02%). This variant has not been reported in the literature in individuals affected with FAM65B-related conditions. ClinVar contains an entry for this variant (Variation ID: 3154622). An algorithm developed to predict the effect of missense changes on protein structure and function (PolyPhen-2) suggests that this variant is likely to be disruptive. In summary, the available evidence is currently insufficient to determine the role of this variant in disease. Therefore, it has been classified as a Variant of Uncertain Significance.

Ambry Genetics
Classification: Uncertain significance. Last evaluated: 2024-01-12. Review status: criteria provided, single submitter. Criteria: Ambry Variant Classification Scheme 2023. Collection method: clinical testing. Allele origin: germline.